The following is an entry in ClinVar:

NM_014284.3(NCDN):c.1599G>A (p.Pro533=)

Gene: NCDN (neurochondrin; plus strand). Cytogenetic location: 1p34.3.
Variant type: single nucleotide variant.
Coding change: c.1599G>A on transcript NM_014284.3 (MANE Select); coding-DNA position 1599, G replaced by A.
Protein change: p.Pro533=; no amino-acid change (proline 533 retained).
Molecular consequence: synonymous variant.
Genome position (GRCh38, 1-based): chr1:35,563,415, G>A. VCF-style: chr1-35563415-G-A. GRCh37 (hg19) VCF-style: chr1-36029016-G-A.
Other names: c.1599G>A, p.Pro533= (NM_001014839.2); c.1548G>A, p.Pro516= (NM_001014841.2).
Identifiers: ClinVar variation 2638650 (VCV002638650.24), dbSNP rs1140731, ClinGen allele CA760314.

ClinVar aggregate classification (germline): Likely benign (1 of 4 stars; one submission).

Allele frequency attached by ClinVar (database versions not stated): ExAC 0.00002; gnomAD 0.00003; ESP Exome Variant Server 0.00008.

Submission:

CeGaT Center for Human Genetics Tuebingen
Classification: Likely benign. Last evaluated: 2022-05-01. Review status: criteria provided, single submitter. Criteria: CeGaT Center For Human Genetics Tuebingen Variant Classification Criteria Version 2. Collection method: clinical testing. Allele origin: germline. Affected: yes. Observed: 1 variant allele.
Comment: NCDN: BP4, BP7